The following is an entry in ClinVar:

NM_004984.4(KIF5A):c.2509C>G (p.Leu837Val)

Gene: KIF5A (kinesin family member 5A; plus strand). Cytogenetic location: 12q13.3.
Variant type: single nucleotide variant.
Coding change: c.2509C>G on transcript NM_004984.4 (MANE Select); coding-DNA position 2509, C replaced by G.
Protein change: p.Leu837Val; replaces leucine 837 with valine.
Molecular consequence: missense variant.
Genome position (GRCh38, 1-based): chr12:57,578,313, C>G. VCF-style: chr12-57578313-C-G. GRCh37 (hg19) VCF-style: chr12-57972096-C-G.
Other names: c.2242C>G, p.Leu748Val (NM_001354705.2); short protein forms L837V, L748V.
Identifiers: ClinVar variation 3693149 (VCV003693149.2).

ClinVar aggregate classification (germline): Uncertain significance (1 of 4 stars; one submission).

Conditions:
Spastic paraplegia. Identifiers: MedGen C0037772, HP:0001258.

gnomAD v4.1: 3 of 1,613,858 alleles (0.00019%); highest among the groups gnomAD compares: Non-Finnish European, 0.00025%; no homozygotes.

Submission:

Labcorp Genetics (formerly Invitae), Labcorp
Classification: Uncertain significance for Spastic paraplegia. Last evaluated: 2024-08-07. Review status: criteria provided, single submitter. Criteria: Invitae Variant Classification Sherloc (09022015). Collection method: clinical testing. Allele origin: germline.
Comment: This sequence change replaces leucine, which is neutral and non-polar, with valine, which is neutral and non-polar, at codon 837 of the KIF5A protein (p.Leu837Val). This variant is not present in population databases (gnomAD no frequency). This variant has not been reported in the literature in individuals affected with KIF5A-related conditions. Advanced modeling of protein sequence and biophysical properties (such as structural, functional, and spatial information, amino acid conservation, physicochemical variation, residue mobility, and thermodynamic stability) has been performed at Invitae for this missense variant, however the output from this modeling did not meet the statistical confidence thresholds required to predict the impact of this variant on KIF5A protein function. In summary, the available evidence is currently insufficient to determine the role of this variant in disease. Therefore, it has been classified as a Variant of Uncertain Significance.